The following is an entry in ClinVar:

NM_003924.4(PHOX2B):c.571G>T (p.Asp191Tyr)

Gene: PHOX2B (paired like homeobox 2B; minus strand). Cytogenetic location: 4p13.
Variant type: single nucleotide variant.
Coding change: c.571G>T on transcript NM_003924.4 (MANE Select); coding-DNA position 571, G replaced by T.
Protein change: p.Asp191Tyr; replaces aspartic acid 191 with tyrosine.
Molecular consequence: missense variant.
Genome position (GRCh38, 1-based): chr4:41,746,181, C>A on the plus strand (G>T on the coding strand, the complement: PHOX2B is on the minus strand). VCF-style: chr4-41746181-C-A. GRCh37 (hg19) VCF-style: chr4-41748198-C-A.
Other names: short protein forms D191Y.
Identifiers: ClinVar variation 5026594 (VCV005026594.1).
Genomic context (GRCh38, chr4:41,746,181, plus strand): 5'-TCGCCCCGCAGCTGGGGGTGGGGTTGGGATTGGGACCTGGGCCCCCAGTGCTGTCCGGGT[C>A]AGTGCTCTTGGCCTCTTTGCTCTCGTCGTCCCTGGAAGAGTCAGACTTTTTGCCCGAGGA-3'
Protein context (NP_003915.2, residues 181-201): DDESKEAKST[Asp191Tyr]PDSTGGPGPN

ClinVar aggregate classification (germline): Uncertain significance (1 of 4 stars; one submission).

Conditions:
Hereditary cancer-predisposing syndrome. Also called: Neoplastic Syndromes, Hereditary; Tumor predisposition; Hereditary neoplastic syndrome; Hereditary Cancer Syndrome. Identifiers: Orphanet 140162, MedGen C0027672, MeSH D009386, MONDO:0015356.

Submission:

Ambry Genetics
Classification: Uncertain significance for Hereditary cancer-predisposing syndrome. Last evaluated: 2026-07-07. Review status: criteria provided, single submitter. Criteria: Ambry Variant Classification Scheme 2023. Collection method: clinical testing. Allele origin: germline.
Comment: The p.D191Y variant (also known as c.571G>T), located in coding exon 3 of the PHOX2B gene, results from a G to T substitution at nucleotide position 571. The aspartic acid at codon 191 is replaced by tyrosine, an amino acid with highly dissimilar properties. This amino acid position is conserved. In addition, the in silico prediction for this alteration is inconclusive. Based on the available evidence, the clinical significance of this variant remains unclear.